The following is an entry in ClinVar:

ClinVar aggregate classification (germline): Likely benign. Review status: criteria provided, single submitter (1 of 4 stars). 2 submissions from 2 submitters: Likely benign (1). 1 of the submissions does not count toward it. Last evaluated 2023-10-28.

Conditions:
SMC3-related disorder. Also called: SMC3-related condition.
Cornelia de Lange syndrome 3 (CDLS3). Also called: SMC3-Related Cornelia de Lange Syndrome; CORNELIA DE LANGE SYNDROME 3 WITH OR WITHOUT MIDLINE BRAIN DEFECTS. Identifiers: Orphanet 199, MedGen C1853099, MONDO:0012555, OMIM 610759.

Submissions (2):

Labcorp Genetics (formerly Invitae), Labcorp
Classification: Likely benign for Cornelia de Lange syndrome 3. Last evaluated: 2023-10-28. Review status: criteria provided, single submitter. Criteria: Invitae Variant Classification Sherloc (09022015). Collection method: clinical testing. Allele origin: germline.

PreventionGenetics, part of Exact Sciences
Classification: Likely benign for SMC3-related condition. Last evaluated: 2021-06-21. Review status: no assertion criteria provided. Collection method: clinical testing. Allele origin: germline. Not counted in ClinVar's aggregate classification.
Comment: This variant is classified as likely benign based on ACMG/AMP sequence variant interpretation guidelines (Richards et al. 2015 PMID: 25741868, with internal and published modifications).

NM_005445.4(SMC3):c.588T>C (p.Ile196=)

Gene: SMC3 (structural maintenance of chromosomes 3; plus strand). Cytogenetic location: 10q25.2.
Variant type: single nucleotide variant.
Coding change: c.588T>C on transcript NM_005445.4 (MANE Select); coding-DNA position 588, T replaced by C.
Protein change: p.Ile196=; no amino-acid change (isoleucine 196 retained).
Molecular consequence: synonymous variant.
Genome position (GRCh38, 1-based): chr10:110,581,963, T>C. VCF-style: chr10-110581963-T-C. GRCh37 (hg19) VCF-style: chr10-112341721-T-C.
Identifiers: ClinVar variation 2840806 (VCV002840806.5), dbSNP rs2493113106, ClinGen allele CA471370706.
Genomic context (GRCh38, chr10:110,581,963, plus strand): 5'-CTCTCCCCATTTCTTTTAAGAGGGCAAACGGGAAAAAATCAATGAGTTGTTAAAATACAT[T>C]GAAGAGAGATTACATACTCTAGAGGAAGAAAAGGAAGAACTAGCTCAGTATCAGAAGTGG-3'
Protein context (NP_005436.1, residues 186-206): REKINELLKY[Ile196=]EERLHTLEEE